The following is an entry in ClinVar:

NM_001734.5(C1S):c.619C>T (p.Arg207Trp)

Gene: C1S (complement C1s; plus strand). Cytogenetic location: 12p13.31.
Variant type: single nucleotide variant.
Coding change: c.619C>T on transcript NM_001734.5 (MANE Select); coding-DNA position 619, C replaced by T.
Protein change: p.Arg207Trp; replaces arginine 207 with tryptophan.
Molecular consequence: missense variant.
Genome position (GRCh38, 1-based): chr12:7,065,201, C>T. VCF-style: chr12-7065201-C-T. GRCh37 (hg19) VCF-style: chr12-7172505-C-T.
Other names: c.118C>T, p.Arg40Trp (NM_001346850.2); c.619C>T, p.Arg207Trp (NM_201442.4); short protein forms R207W, R40W.
Identifiers: ClinVar variation 1501620 (VCV001501620.7), dbSNP rs781922815, ClinGen allele CA6423508.

ClinVar aggregate classification (germline): Uncertain significance. Review status: criteria provided, multiple submitters, no conflicts (2 of 4 stars). 2 submissions from 2 submitters: Uncertain significance (2). Last evaluated 2022-12-06.

Allele frequency attached by ClinVar (database versions not stated): gnomAD exomes 0.00001 and 0.00002; TOPMed 0.00001; ExAC 0.00002; gnomAD 0.00002.
gnomAD v4.1: 19 of 1,613,838 alleles (0.0012%); highest among the groups gnomAD compares: African/African-American, 0.0067%; no homozygotes.

Submissions (2):

Labcorp Genetics (formerly Invitae), Labcorp
Classification: Uncertain significance. Last evaluated: 2022-12-06. Review status: criteria provided, single submitter. Criteria: Invitae Variant Classification Sherloc (09022015). Collection method: clinical testing. Allele origin: germline.
Comment: In summary, the available evidence is currently insufficient to determine the role of this variant in disease. Therefore, it has been classified as a Variant of Uncertain Significance. Algorithms developed to predict the effect of sequence changes on RNA splicing suggest that this variant may disrupt the consensus splice site. Advanced modeling of protein sequence and biophysical properties (such as structural, functional, and spatial information, amino acid conservation, physicochemical variation, residue mobility, and thermodynamic stability) performed at Invitae indicates that this missense variant is expected to disrupt C1S protein function. ClinVar contains an entry for this variant (Variation ID: 1501620). This variant has not been reported in the literature in individuals affected with C1S-related conditions. This variant is present in population databases (rs781922815, gnomAD 0.01%). This sequence change replaces arginine, which is basic and polar, with tryptophan, which is neutral and slightly polar, at codon 207 of the C1S protein (p.Arg207Trp).

Breakthrough Genomics
Classification: Uncertain significance. Review status: criteria provided, single submitter. Criteria: ACMG Guidelines, 2015. Collection method: not provided. Allele origin: germline. Inheritance: Autosomal dominant inheritance. Affected: yes.